The following is an entry in ClinVar:

ClinVar aggregate classification (germline): Uncertain significance (1 of 4 stars; one submission).

Submission:

CeGaT Center for Human Genetics Tuebingen
Classification: Uncertain significance. Last evaluated: 2022-06-01. Review status: criteria provided, single submitter. Criteria: CeGaT Center For Human Genetics Tuebingen Variant Classification Criteria Version 2. Collection method: clinical testing. Allele origin: germline. Affected: yes. Observed: 1 variant allele.
Comment: SHANK3: PM2, PP2, BP4

NM_001372044.2(SHANK3):c.3950T>G (p.Met1317Arg)

Gene: SHANK3 (SH3 and multiple ankyrin repeat domains 3; plus strand). Cytogenetic location: 22q13.33.
Variant type: single nucleotide variant.
Coding change: c.3950T>G on transcript NM_001372044.2 (MANE Select); coding-DNA position 3950, T replaced by G.
Protein change: p.Met1317Arg; replaces methionine 1317 with arginine.
Molecular consequence: missense variant.
Genome position (GRCh38, 1-based): chr22:50,721,558, T>G. VCF-style: chr22-50721558-T-G. GRCh37 (hg19) VCF-style: chr22-51159986-T-G.
Other names: c.3725T>G, p.Met1242Arg (NM_033517.1); short protein forms M1242R, M1317R.
Identifiers: ClinVar variation 2653427 (VCV002653427.24), dbSNP rs2083289318, ClinGen allele CA515262851.